The following is an entry in ClinVar:

ClinVar aggregate classification (germline): Likely benign. Review status: criteria provided, multiple submitters, no conflicts (2 of 4 stars). 2 submissions from 2 submitters: Likely benign (2). Last evaluated 2024-06-18.

Allele frequency attached by ClinVar (database versions not stated): 1000 Genomes Project 0.00020; ExAC 0.00022; gnomAD 0.00027; 1000 Genomes Project 30x 0.00031; ESP Exome Variant Server 0.00031; TOPMed 0.00032; gnomAD exomes 0.00038.
gnomAD v4.1: 560 of 1,517,078 alleles (0.037%); highest among the groups gnomAD compares: Non-Finnish European, 0.045%; 1 homozygote.

Submissions (2):

Blueprint Genetics
Classification: Likely benign. Last evaluated: 2024-06-18. Review status: criteria provided, single submitter. Criteria: ACMG Guidelines, 2015. Collection method: clinical testing. Allele origin: germline.

CeGaT Center for Human Genetics Tuebingen
Classification: Likely benign. Last evaluated: 2023-01-01. Review status: criteria provided, single submitter. Criteria: CeGaT Center For Human Genetics Tuebingen Variant Classification Criteria Version 2. Collection method: clinical testing. Allele origin: germline. Affected: yes. Observed: 1 variant allele.
Comment: RERE: BP4

NM_001042681.2(RERE):c.2871C>T (p.Phe957=)

Gene: RERE (arginine-glutamic acid dipeptide repeats; minus strand). Cytogenetic location: 1p36.23.
Variant type: single nucleotide variant.
Coding change: c.2871C>T on transcript NM_001042681.2 (MANE Select); coding-DNA position 2871, C replaced by T.
Protein change: p.Phe957=; no amino-acid change (phenylalanine 957 retained).
Molecular consequence: synonymous variant.
Genome position (GRCh38, 1-based): chr1:8,360,636, G>A on the plus strand (C>T on the coding strand, the complement: RERE is on the minus strand). VCF-style: chr1-8360636-G-A. GRCh37 (hg19) VCF-style: chr1-8420696-G-A.
Other names: c.1209C>T, p.Phe403= (NM_001042682.2); c.2871C>T, p.Phe957= (NM_012102.4).
Identifiers: ClinVar variation 2638166 (VCV002638166.25), dbSNP rs140316471, ClinGen allele CA571291.